The following is an entry in ClinVar:

ClinVar aggregate classification (germline): Uncertain significance. Review status: criteria provided, multiple submitters, no conflicts (2 of 4 stars). 4 submissions from 4 submitters: Uncertain significance (3). 1 of the submissions does not count toward it. Last evaluated 2024-02-22.

Conditions:
Hereditary spastic paraplegia 33. Also called: SPASTIC PARAPLEGIA 33, AUTOSOMAL DOMINANT. Identifiers: MedGen C1853251, MONDO:0012448, OMIM 610244.
Spastic paraplegia. Identifiers: MedGen C0037772, HP:0001258.

Allele frequency attached by ClinVar (database versions not stated): ExAC 0.00004; gnomAD exomes 0.00004; ESP Exome Variant Server 0.00015; gnomAD 0.00015 and 0.00016; TOPMed 0.00023.
gnomAD v4.1: 163 of 1,614,182 alleles (0.01%); highest among the groups gnomAD compares: Middle Eastern, 0.066%; no homozygotes.

Submissions (4):

Labcorp Genetics (formerly Invitae), Labcorp
Classification: Uncertain significance for Spastic paraplegia. Last evaluated: 2024-02-22. Review status: criteria provided, single submitter. Criteria: Invitae Variant Classification Sherloc (09022015). Collection method: clinical testing. Allele origin: germline.
Comment: This sequence change replaces tyrosine, which is neutral and polar, with cysteine, which is neutral and slightly polar, at codon 50 of the ZFYVE27 protein (p.Tyr50Cys). This variant is present in population databases (rs199548555, gnomAD 0.006%). This missense change has been observed in individual(s) with hereditary spastic paraplegia (PMID: 30564185). ClinVar contains an entry for this variant (Variation ID: 851871). An algorithm developed to predict the effect of missense changes on protein structure and function (PolyPhen-2) suggests that this variant is likely to be disruptive. In summary, the available evidence is currently insufficient to determine the role of this variant in disease. Therefore, it has been classified as a Variant of Uncertain Significance.

Women's Health and Genetics/Laboratory Corporation of America, LabCorp
Classification: Uncertain significance. Last evaluated: 2023-10-17. Review status: criteria provided, single submitter. Criteria: LabCorp Variant Classification Summary - May 2015. Collection method: clinical testing. Allele origin: germline.
Comment: Variant summary: ZFYVE27 c.149A>G (p.Tyr50Cys) results in a non-conservative amino acid change in the encoded protein sequence. Four of five in-silico tools predict a damaging effect of the variant on protein function. The variant allele was found at a frequency of 4e-05 in 251496 control chromosomes. c.149A>G has been reported in the literature in the heterozygous state in an individual with a clinical diagnosis of Hereditary Spastic Paraplegia who underwent multigene panel testing (D'Amore_2018). This report does not provide unequivocal conclusions about association of the variant with Hereditary Spastic Paraplegia 33. To our knowledge, no experimental evidence demonstrating an impact on protein function has been reported. The following publication has been ascertained in the context of this evaluation (PMID: 30564185). Two submitters have cited clinical-significance assessments for this variant to ClinVar after 2014. Both submitters classified the variant as uncertain significance. Based on the evidence outlined above, the variant was classified as uncertain significance.

Illumina Laboratory Services, Illumina
Classification: Uncertain significance for Hereditary spastic paraplegia 33. Last evaluated: 2018-01-15. Review status: criteria provided, single submitter. Criteria: ICSL Variant Classification Criteria 13 December 2019. Collection method: clinical testing. Allele origin: germline.

Department of Pathology and Laboratory Medicine, Sinai Health System
Classification: Uncertain significance. Review status: no assertion criteria provided. Collection method: clinical testing. Allele origin: unknown. Affected: yes. Study: The Canadian Open Genetics Repository (COGR). Not counted in ClinVar's aggregate classification.
Comment: The variant was not identified in Cosmic or LOVD 3.0 but was identified in dbSNP (ID: rs199548555). The variant was also identified in control databases in 11 of 282898 chromosomes at a frequency of 0.000039 (Genome Aggregation Database Feb 27, 2017). The variant was observed in the following populations: Latino in 1 of 35440 chromosomes (freq: 0.000028), European (non-Finnish) in 7 of 129196 chromosomes (freq: 0.000054), African in 1 of 24972 chromosomes (freq: 0.00004) and Other in 2 of 7228 chromosomes (freq: 0.000277); it was not observed in the South Asian, European (Finnish), East Asian or Ashkenazi Jewish populations. The variant occurs outside of the splicing consensus sequence and in silico splicing prediction programs (SpliceSiteFinder, MaxEntScan, NNSPLICE, and GeneSplicer) do not predict a greater than 10% difference in splicing. The p.Tyr50 residue is conserved in mammals but not in more distantly related organisms and 5 out of 5 computational analyses programs (PolyPhen-2, SIFT, AlignGVGD, BLOSUM, MutationTaster) suggest a high likelihood of impact to the protein. In summary, based on the above information, the clinical significance of this variant cannot be determined with certainty at this time. This variant is classified as a variant of uncertain significance.

Literature cited by the submitters: PubMed 30564185 (cited by Labcorp Genetics (formerly Invitae), Labcorp and Women's Health and Genetics/Laboratory Corporation of America, LabCorp).

NM_001385875.1(ZFYVE27):c.149A>G (p.Tyr50Cys)

Gene: ZFYVE27 (zinc finger FYVE-type containing 27; plus strand). Cytogenetic location: 10q24.2.
Variant type: single nucleotide variant.
Coding change: c.149A>G on transcript NM_001385875.1 (MANE Select); coding-DNA position 149, A replaced by G.
Protein change: p.Tyr50Cys; replaces tyrosine 50 with cysteine.
Molecular consequence: missense variant. On other transcripts: 5 prime UTR variant (13), non-coding transcript variant (17), intron variant (5).
Genome position (GRCh38, 1-based): chr10:97,738,626, A>G. VCF-style: chr10-97738626-A-G. GRCh37 (hg19) VCF-style: chr10-99498383-A-G.
Other names: c.149A>G, p.Tyr50Cys (NM_001385886.1, NM_001385887.1, NM_001385888.1 and 24 more transcripts); c.-31A>G (NM_001385893.1, NM_001385895.1, NM_001385897.1 and 2 more transcripts); c.-18A>G (NM_001385899.1, NM_001385900.1, NM_001385903.1 and 4 more transcripts); c.-46A>G (NM_001385915.1); c.-8+1305A>G (NM_001385891.1, NM_001385894.1, NM_001385892.1 and 1 more transcripts); c.-27+1305A>G (NM_001174121.2); short protein forms Y50C.
Identifiers: ClinVar variation 851871 (VCV000851871.15), dbSNP rs199548555, ClinGen allele CA5635052.